The following is an entry in ClinVar:

ClinVar aggregate classification (germline): Uncertain significance (1 of 4 stars; one submission).

Conditions:
RPGRIP1L-related disorder. Also called: RPGRIP1L-related disorders; RPGRIP1L-related condition. Identifiers: MedGen CN239416.

gnomAD v4.1: 1 of 1,614,092 alleles (0.000062%); highest among the groups gnomAD compares: Non-Finnish European, 0.000085%; no homozygotes.

Submission:

PreventionGenetics, part of Exact Sciences
Classification: Uncertain significance for RPGRIP1L-related condition. Last evaluated: 2024-10-20. Review status: criteria provided, single submitter. Criteria: ACMG Guidelines, 2015. Collection method: clinical testing. Allele origin: germline.
Comment: The RPGRIP1L c.2800A>T variant is predicted to result in the amino acid substitution p.Asn934Tyr. To our knowledge, this variant has not been reported in the literature or in a large population database (gnomAD), indicating this variant is rare. At this time, the clinical significance of this variant is uncertain due to the absence of conclusive functional and genetic evidence.

NM_015272.5(RPGRIP1L):c.2800A>T (p.Asn934Tyr)

Gene: RPGRIP1L (RPGRIP1 like; minus strand). Cytogenetic location: 16q12.2.
Variant type: single nucleotide variant.
Coding change: c.2800A>T on transcript NM_015272.5 (MANE Select); coding-DNA position 2800, A replaced by T.
Protein change: p.Asn934Tyr; replaces asparagine 934 with tyrosine.
Molecular consequence: missense variant.
Genome position (GRCh38, 1-based): chr16:53,641,359, T>A on the plus strand (A>T on the coding strand, the complement: RPGRIP1L is on the minus strand). VCF-style: chr16-53641359-T-A. GRCh37 (hg19) VCF-style: chr16-53675271-T-A.
Other names: c.2800A>T, p.Asn934Tyr (NM_001127897.4, NM_001308334.3, NM_001330538.2); short protein forms N934Y.
Identifiers: ClinVar variation 5000648 (VCV005000648.1).